The following is an entry in ClinVar:

ClinVar aggregate classification (germline): Uncertain significance (1 of 4 stars; one submission).

Conditions:
Benign neonatal seizures. Also called: Benign familial neonatal seizures; Benign familial neonatal epilepsy; Convulsions benign familial neonatal dominant form; Autosomal dominant form of benign neonatal seizures; Benign neonatal familial convulsions. Identifiers: Orphanet 1949, MedGen C0220669, MONDO:0016027.

Submission:

Labcorp Genetics (formerly Invitae), Labcorp
Classification: Uncertain significance for Benign neonatal seizures. Last evaluated: 2020-06-27. Review status: criteria provided, single submitter. Criteria: Invitae Variant Classification Sherloc (09022015). Collection method: clinical testing. Allele origin: germline.
Comment: This variant has not been reported in the literature in individuals with KCNQ3-related conditions. In summary, the available evidence is currently insufficient to determine the role of this variant in disease. Therefore, it has been classified as a Variant of Uncertain Significance. Algorithms developed to predict the effect of missense changes on protein structure and function (SIFT, PolyPhen-2, Align-GVGD) all suggest that this variant is likely to be disruptive, but these predictions have not been confirmed by published functional studies and their clinical significance is uncertain. This variant is not present in population databases (ExAC no frequency). This sequence change replaces glycine with aspartic acid at codon 189 of the KCNQ3 protein (p.Gly189Asp). The glycine residue is highly conserved and there is a moderate physicochemical difference between glycine and aspartic acid.

NM_004519.4(KCNQ3):c.566G>A (p.Gly189Asp)

Gene: KCNQ3 (potassium voltage-gated channel subfamily Q member 3; minus strand). Cytogenetic location: 8q24.22.
Variant type: single nucleotide variant.
Coding change: c.566G>A on transcript NM_004519.4 (MANE Select); coding-DNA position 566, G replaced by A.
Protein change: p.Gly189Asp; replaces glycine 189 with aspartic acid.
Molecular consequence: missense variant.
Genome position (GRCh38, 1-based): chr8:132,184,279, C>T on the plus strand (G>A on the coding strand, the complement: KCNQ3 is on the minus strand). VCF-style: chr8-132184279-C-T. GRCh37 (hg19) VCF-style: chr8-133196526-C-T.
Other names: c.206G>A, p.Gly69Asp (NM_001204824.2); short protein forms G69D, G189D.
Identifiers: ClinVar variation 1037603 (VCV001037603.8), dbSNP rs1826887156, ClinGen allele CA372291106.